The following is an entry in ClinVar:

NM_022829.6(SLC13A3):c.1076G>A (p.Arg359Gln)

Gene: SLC13A3 (solute carrier family 13 member 3; minus strand). Cytogenetic location: 20q13.12.
Variant type: single nucleotide variant.
Coding change: c.1076G>A on transcript NM_022829.6 (MANE Select); coding-DNA position 1076, G replaced by A.
Protein change: p.Arg359Gln; replaces arginine 359 with glutamine.
Molecular consequence: missense variant. On other transcripts: intron variant (1).
Genome position (GRCh38, 1-based): chr20:46,588,104, C>T on the plus strand (G>A on the coding strand, the complement: SLC13A3 is on the minus strand). VCF-style: chr20-46588104-C-T. GRCh37 (hg19) VCF-style: chr20-45216743-C-T.
Other names: c.935G>A, p.Arg312Gln (NM_001011554.3); c.926G>A, p.Arg309Gln (NM_001193339.2); c.782G>A, p.Arg261Gln (NM_001193342.2); c.875+1056G>A (NM_001193340.2); short protein forms R261Q, R309Q, R312Q, R359Q.
Identifiers: ClinVar variation 2418426 (VCV002418426.8), dbSNP rs267605966, ClinGen allele CA315723551.

ClinVar aggregate classification (germline): Uncertain significance. Review status: criteria provided, multiple submitters, no conflicts (2 of 4 stars). 2 submissions from 2 submitters: Uncertain significance (2). Last evaluated 2023-03-07.

Allele frequency attached by ClinVar (database versions not stated): TOPMed below 0.00001; gnomAD 0.00001; gnomAD exomes 0.00001.
gnomAD v4.1: 12 of 1,612,740 alleles (0.00074%); highest among the groups gnomAD compares: Admixed American, 0.0033%; no homozygotes.

Submissions (2):

Ambry Genetics
Classification: Uncertain significance. Last evaluated: 2023-03-07. Review status: criteria provided, single submitter. Criteria: Ambry Variant Classification Scheme 2023. Collection method: clinical testing. Allele origin: germline.

Labcorp Genetics (formerly Invitae), Labcorp
Classification: Uncertain significance. Last evaluated: 2022-11-01. Review status: criteria provided, single submitter. Criteria: Invitae Variant Classification Sherloc (09022015). Collection method: clinical testing. Allele origin: germline.
Comment: Algorithms developed to predict the effect of sequence changes on RNA splicing suggest that this variant may disrupt the consensus splice site. Advanced modeling of protein sequence and biophysical properties (such as structural, functional, and spatial information, amino acid conservation, physicochemical variation, residue mobility, and thermodynamic stability) performed at Invitae indicates that this missense variant is expected to disrupt SLC13A3 protein function. This variant has not been reported in the literature in individuals affected with SLC13A3-related conditions. In summary, the available evidence is currently insufficient to determine the role of this variant in disease. Therefore, it has been classified as a Variant of Uncertain Significance. This variant is present in population databases (rs267605966, gnomAD 0.003%). This sequence change replaces arginine, which is basic and polar, with glutamine, which is neutral and polar, at codon 359 of the SLC13A3 protein (p.Arg359Gln).